The following is an entry in ClinVar:

NM_001135651.3(EIF2AK2):c.1310C>A (p.Thr437Lys)

Gene: EIF2AK2 (eukaryotic translation initiation factor 2 alpha kinase 2; minus strand). Cytogenetic location: 2p22.2.
Variant type: single nucleotide variant.
Coding change: c.1310C>A on transcript NM_001135651.3 (MANE Select); coding-DNA position 1310, C replaced by A.
Protein change: p.Thr437Lys; replaces threonine 437 with lysine.
Molecular consequence: missense variant.
Genome position (GRCh38, 1-based): chr2:37,114,798, G>T on the plus strand (C>A on the coding strand, the complement: EIF2AK2 is on the minus strand). VCF-style: chr2-37114798-G-T. GRCh37 (hg19) VCF-style: chr2-37341941-G-T.
Other names: c.1187C>A, p.Thr396Lys (NM_001135652.3); c.1310C>A, p.Thr437Lys (NM_002759.4); short protein forms T396K, T437K.
Identifiers: ClinVar variation 4281997 (VCV004281997.1).

ClinVar aggregate classification (germline): Uncertain significance (1 of 4 stars; one submission).

gnomAD v4.1: 1 of 1,601,028 alleles (0.000062%); highest among the groups gnomAD compares: East Asian, 0.0023%; no homozygotes.

Submission:

GeneDx
Classification: Uncertain significance. Last evaluated: 2025-04-10. Review status: criteria provided, single submitter. Criteria: GeneDx Variant Classification Process June 2021. Collection method: clinical testing. Allele origin: germline. Affected: yes.
Comment: In silico analysis supports that this missense variant has a deleterious effect on protein structure/function; Has not been previously published as pathogenic or benign to our knowledge